The following is an entry in ClinVar:

NM_000127.3(EXT1):c.1379dup (p.Tyr461fs)

Gene: EXT1 (exostosin glycosyltransferase 1; minus strand). Cytogenetic location: 8q24.11.
Variant type: Duplication.
Coding change: c.1379dup on transcript NM_000127.3 (MANE Select); coding-DNA position 1379, one base duplicated (C; older notation c.1379dupC).
Protein change: p.Tyr461fs; shifts the reading frame from tyrosine 461.
Molecular consequence: frameshift variant.
Genome position (GRCh38, 1-based): chr8:117,822,503, G duplicated on the plus strand (C on the coding strand, the reverse complement: EXT1 is on the minus strand). VCF-style (leftmost placement, unchanged base first): chr8-117822502-A-AG. GRCh37 (hg19) VCF-style: chr8-118834741-A-AG.
Other names: c.1379dupC (NM_000127.2); short protein forms Y461fs.
Identifiers: ClinVar variation 3511091 (VCV003511091.1).

ClinVar aggregate classification (germline): Pathogenic (1 of 4 stars; one submission).

Conditions:
Inborn genetic diseases. Identifiers: MedGen C0950123, MeSH D030342.

Submission:

Ambry Genetics
Classification: Pathogenic for Inborn genetic diseases. Last evaluated: 2024-09-10. Review status: criteria provided, single submitter. Criteria: Ambry Variant Classification Scheme 2023. Collection method: clinical testing. Allele origin: germline.
Comment: The c.1379dupC (p.Y461Lfs*11) alteration, located in exon 5 (coding exon 5) of the EXT1 gene, consists of a duplication of C at position 1379, causing a translational frameshift with a predicted alternate stop codon after 11 amino acids. This alteration is expected to result in loss of function by premature protein truncation or nonsense-mediated mRNA decay. This variant was not reported in population-based cohorts in the Genome Aggregation Database (gnomAD). Based on the available evidence, this alteration is classified as pathogenic.